The following is an entry in ClinVar:

NM_001364905.1(LRBA):c.8291C>T (p.Thr2764Met)

Gene: LRBA (LPS responsive beige-like anchor protein; minus strand). Cytogenetic location: 4q31.3.
Variant type: single nucleotide variant.
Coding change: c.8291C>T on transcript NM_001364905.1 (MANE Select); coding-DNA position 8291, C replaced by T.
Protein change: p.Thr2764Met; replaces threonine 2764 with methionine.
Molecular consequence: missense variant.
Genome position (GRCh38, 1-based): chr4:150,282,475, G>A on the plus strand (C>T on the coding strand, the complement: LRBA is on the minus strand). VCF-style: chr4-150282475-G-A. GRCh37 (hg19) VCF-style: chr4-151203627-G-A.
Other names: c.8288C>T, p.Thr2763Met (NM_001199282.3); c.8306C>T, p.Thr2769Met (NM_001367550.1); c.8324C>T, p.Thr2775Met (NM_006726.5); short protein forms T2763M, T2775M, T2764M, T2769M.
Identifiers: ClinVar variation 2167145 (VCV002167145.2), dbSNP rs763826371, ClinGen allele CA3101402.

ClinVar aggregate classification (germline): Uncertain significance (1 of 4 stars; one submission).

Conditions:
Combined immunodeficiency due to LRBA deficiency. Also called: Common variable immunodeficiency 8, with autoimmunity. Identifiers: Orphanet 445018, MedGen C3553512, MONDO:0013863, OMIM 614700.

Allele frequency attached by ClinVar (database versions not stated): gnomAD exomes below 0.00001; gnomAD 0.00001; ExAC 0.00002; TOPMed 0.00002.
gnomAD v4.1: 8 of 1,613,874 alleles (0.0005%); highest among the groups gnomAD compares: East Asian, 0.0022%; no homozygotes.

Submission:

Labcorp Genetics (formerly Invitae), Labcorp
Classification: Uncertain significance for Combined immunodeficiency due to LRBA deficiency. Last evaluated: 2022-06-18. Review status: criteria provided, single submitter. Criteria: Invitae Variant Classification Sherloc (09022015). Collection method: clinical testing. Allele origin: germline.
Comment: In summary, the available evidence is currently insufficient to determine the role of this variant in disease. Therefore, it has been classified as a Variant of Uncertain Significance. Algorithms developed to predict the effect of missense changes on protein structure and function (SIFT, PolyPhen-2, Align-GVGD) all suggest that this variant is likely to be tolerated. This variant has not been reported in the literature in individuals affected with LRBA-related conditions. This variant is present in population databases (rs763826371, gnomAD 0.005%). This sequence change replaces threonine, which is neutral and polar, with methionine, which is neutral and non-polar, at codon 2775 of the LRBA protein (p.Thr2775Met).